The following is an entry in ClinVar:

NM_007254.4(PNKP):c.921C>A (p.Ser307=)

Gene: PNKP (polynucleotide kinase 3'-phosphatase; minus strand). Cytogenetic location: 19q13.33.
Variant type: single nucleotide variant.
Coding change: c.921C>A on transcript NM_007254.4 (MANE Select); coding-DNA position 921, C replaced by A.
Protein change: p.Ser307=; no amino-acid change (serine 307 retained).
Molecular consequence: synonymous variant.
Genome position (GRCh38, 1-based): chr19:49,862,553, G>T on the plus strand (C>A on the coding strand, the complement: PNKP is on the minus strand). VCF-style: chr19-49862553-G-T. GRCh37 (hg19) VCF-style: chr19-50365810-G-T.
Identifiers: ClinVar variation 167518 (VCV000167518.8), dbSNP rs369985921, ClinGen allele CA234704.

ClinVar aggregate classification (germline): Conflicting classifications of pathogenicity. Review status: criteria provided, conflicting classifications (1 of 4 stars). 3 submissions from 3 submitters: Uncertain significance (1); Likely benign (2). Last evaluated 2026-08-01.

Conditions:
Developmental and epileptic encephalopathy, 12 (DEE12). Identifiers: MedGen C3150988, MONDO:0013389, OMIM 613722.

Allele frequency attached by ClinVar (database versions not stated): gnomAD 0.00001.
gnomAD v4.1: 5 of 1,611,656 alleles (0.00031%); highest among the groups gnomAD compares: Middle Eastern, 0.016%; no homozygotes.

Submissions (3):

CeGaT Center for Human Genetics Tuebingen
Classification: Likely benign. Last evaluated: 2026-08-01. Review status: criteria provided, single submitter. Criteria: CeGaT Center For Human Genetics Tuebingen Variant Classification Criteria Version 2. Collection method: clinical testing. Allele origin: germline. Affected: yes. Observed: 1 variant allele.
Comment: PNKP: BP4, BP7

Labcorp Genetics (formerly Invitae), Labcorp
Classification: Likely benign for Developmental and epileptic encephalopathy, 12. Last evaluated: 2024-06-26. Review status: criteria provided, single submitter. Criteria: Invitae Variant Classification Sherloc (09022015). Collection method: clinical testing. Allele origin: germline.

Eurofins Ntd Llc (ga)
Classification: Uncertain significance. Last evaluated: 2014-04-03. Review status: criteria provided, single submitter. Criteria: EGL Classification Definitions 2015. Collection method: clinical testing. Allele origin: germline. Observed: 1 variant allele, 1 heterozygote.